The following is an entry in ClinVar:

ClinVar aggregate classification (germline): Uncertain significance (1 of 4 stars; one submission).

Allele frequency attached by ClinVar (database versions not stated): gnomAD 0.00003; TOPMed 0.00004; ExAC 0.00005; ESP Exome Variant Server 0.00008.
gnomAD v4.1: 41 of 1,608,464 alleles (0.0025%); highest among the groups gnomAD compares: South Asian, 0.0022%; no homozygotes.

Submission:

Labcorp Genetics (formerly Invitae), Labcorp
Classification: Uncertain significance. Last evaluated: 2022-08-21. Review status: criteria provided, single submitter. Criteria: Invitae Variant Classification Sherloc (09022015). Collection method: clinical testing. Allele origin: germline.
Comment: This sequence change replaces valine, which is neutral and non-polar, with isoleucine, which is neutral and non-polar, at codon 368 of the PNLIP protein (p.Val368Ile). This variant is present in population databases (rs202075908, gnomAD 0.1%), and has an allele count higher than expected for a pathogenic variant. This variant has not been reported in the literature in individuals affected with PNLIP-related conditions. Algorithms developed to predict the effect of missense changes on protein structure and function are either unavailable or do not agree on the potential impact of this missense change (SIFT: "Not Available"; PolyPhen-2: "Benign"; Align-GVGD: "Not Available"). In summary, the available evidence is currently insufficient to determine the role of this variant in disease. Therefore, it has been classified as a Variant of Uncertain Significance.

NM_000936.4(PNLIP):c.1102G>A (p.Val368Ile)

Gene: PNLIP (pancreatic lipase; plus strand). Cytogenetic location: 10q25.3.
Variant type: single nucleotide variant.
Coding change: c.1102G>A on transcript NM_000936.4 (MANE Select); coding-DNA position 1102, G replaced by A.
Protein change: p.Val368Ile; replaces valine 368 with isoleucine.
Molecular consequence: missense variant.
Genome position (GRCh38, 1-based): chr10:116,560,457, G>A. VCF-style: chr10-116560457-G-A. GRCh37 (hg19) VCF-style: chr10-118319969-G-A.
Other names: short protein forms V368I.
Identifiers: ClinVar variation 2190333 (VCV002190333.1), dbSNP rs202075908, ClinGen allele CA5706692.